The following is an entry in ClinVar:

NM_000179.3(MSH6):c.2765G>T (p.Arg922Leu)

Gene: MSH6 (mutS homolog 6; plus strand). Cytogenetic location: 2p16.3.
Variant type: single nucleotide variant.
Coding change: c.2765G>T on transcript NM_000179.3 (MANE Select); coding-DNA position 2765, G replaced by T.
Protein change: p.Arg922Leu; replaces arginine 922 with leucine.
Molecular consequence: missense variant. On other transcripts: non-coding transcript variant (5), intron variant (2).
Genome position (GRCh38, 1-based): chr2:47,800,748, G>T. VCF-style: chr2-47800748-G-T. GRCh37 (hg19) VCF-style: chr2-48027887-G-T.
Other names: c.1859G>T, p.Arg620Leu (NM_001406816.1, NM_001406823.1, NM_001406829.1 and 6 more transcripts); c.2468G>T, p.Arg823Leu (NM_001406818.1, NM_001406819.1, NM_001406820.1 and 10 more transcripts); c.2597G>T, p.Arg866Leu (NM_001406826.1); c.710G>T, p.Arg237Leu (NM_001407362.1); c.2375G>T, p.Arg792Leu (NM_001281492.2); c.2861G>T, p.Arg954Leu (NM_001406795.1, NM_001406802.1); c.2765G>T, p.Arg922Leu (NM_001406796.1, NM_001406798.1, NM_001406800.1 and 2 more transcripts); c.2240G>T, p.Arg747Leu (NM_001406799.1, NM_001406806.1, NM_001406807.1); and 4 more; short protein forms R866L, R620L, R792L, R954L, R747L, R896L, R922L, R924L.
Identifiers: ClinVar variation 2773654 (VCV002773654.4), dbSNP rs752839086, ClinGen allele CA346755448.

ClinVar aggregate classification (germline): Uncertain significance. Review status: criteria provided, multiple submitters, no conflicts (2 of 4 stars). 3 submissions from 3 submitters: Uncertain significance (3). Last evaluated 2026-01-09.

Conditions:
Lynch syndrome 5 (LYNCH5). Also called: Hereditary non-polyposis colorectal cancer, type 5; Colorectal cancer, hereditary nonpolyposis, type 5. Identifiers: Orphanet 144, MedGen C1833477, MONDO:0013710, OMIM 614350. Disease mechanism: loss of function.
Hereditary cancer-predisposing syndrome. Also called: Tumor predisposition; Hereditary neoplastic syndrome; Hereditary Cancer Syndrome; Neoplastic Syndromes, Hereditary. Identifiers: Orphanet 140162, MedGen C0027672, MeSH D009386, MONDO:0015356.
Hereditary nonpolyposis colorectal neoplasms. Identifiers: MedGen C0009405, MeSH D003123.

Submissions (3):

Institute of Immunology and Genetics Kaiserslautern
Classification: Uncertain significance for Lynch syndrome 5. Last evaluated: 2026-01-09. Review status: criteria provided, single submitter. Criteria: ACMG Guidelines, 2015. Collection method: clinical testing. Allele origin: germline. Affected: yes.
Comment: ACMG Criteria: PM2_P, PP3; Variant was found in heterozygous state.

Labcorp Genetics (formerly Invitae), Labcorp
Classification: Uncertain significance for Hereditary nonpolyposis colorectal neoplasms. Last evaluated: 2025-08-03. Review status: criteria provided, single submitter. Criteria: Invitae Variant Classification Sherloc (09022015). Collection method: clinical testing. Allele origin: germline.
Comment: This sequence change replaces arginine, which is basic and polar, with leucine, which is neutral and non-polar, at codon 922 of the MSH6 protein (p.Arg922Leu). This variant is not present in population databases (gnomAD no frequency). This variant has not been reported in the literature in individuals affected with MSH6-related conditions. ClinVar contains an entry for this variant (Variation ID: 2773654). Invitae Evidence Modeling of protein sequence and biophysical properties (such as structural, functional, and spatial information, amino acid conservation, physicochemical variation, residue mobility, and thermodynamic stability) indicates that this missense variant is not expected to disrupt MSH6 protein function with a negative predictive value of 95%. In summary, the available evidence is currently insufficient to determine the role of this variant in disease. Therefore, it has been classified as a Variant of Uncertain Significance.

Color Diagnostics, LLC DBA Color Health
Classification: Uncertain significance for Hereditary cancer-predisposing syndrome. Last evaluated: 2023-08-28. Review status: criteria provided, single submitter. Criteria: ACMG Guidelines, 2015. Collection method: clinical testing. Allele origin: germline.
Comment: This missense variant replaces an arginine with leucine at codon 922 of the MSH6 gene. Computational prediction is inconclusive regarding the impact of this variant on protein structure and function (internally defined REVEL score threshold 0.5 < inconclusive < 0.7, PMID: 27666373). To our knowledge, functional studies have not been reported for this variant. This variant has not been reported in individuals affected with MSH6-related disorders in the literature. This variant has not been identified in the general population by the Genome Aggregation Database (gnomAD). The available evidence is insufficient to determine the role of this variant in disease conclusively. Therefore, this variant is classified as a Variant of Uncertain Significance.